The following is an entry in ClinVar:

NM_170606.3(KMT2C):c.9269A>T (p.Asp3090Val)

Gene: KMT2C (lysine methyltransferase 2C; minus strand). Cytogenetic location: 7q36.1.
Variant type: single nucleotide variant.
Coding change: c.9269A>T on transcript NM_170606.3 (MANE Select); coding-DNA position 9269, A replaced by T.
Protein change: p.Asp3090Val; replaces aspartic acid 3090 with valine.
Molecular consequence: missense variant.
Genome position (GRCh38, 1-based): chr7:152,174,236, T>A on the plus strand (A>T on the coding strand, the complement: KMT2C is on the minus strand). VCF-style: chr7-152174236-T-A. GRCh37 (hg19) VCF-style: chr7-151871321-T-A.
Other names: short protein forms D3090V.
Identifiers: ClinVar variation 3384404 (VCV003384404.1).

ClinVar aggregate classification (germline): Uncertain significance (1 of 4 stars; one submission).

Submission:

GeneDx
Classification: Uncertain significance. Last evaluated: 2024-06-06. Review status: criteria provided, single submitter. Criteria: GeneDx Variant Classification Process June 2021. Collection method: clinical testing. Allele origin: germline. Affected: yes.
Comment: Not observed at significant frequency in large population cohorts (gnomAD); In silico analysis supports that this missense variant has a deleterious effect on protein structure/function; Has not been previously published as pathogenic or benign to our knowledge